The following is an entry in ClinVar:

NM_006096.4(NDRG1):c.874C>A (p.Leu292Ile)

Gene: NDRG1 (N-myc downstream regulated 1; minus strand). Cytogenetic location: 8q24.22.
Variant type: single nucleotide variant.
Coding change: c.874C>A on transcript NM_006096.4 (MANE Select); coding-DNA position 874, C replaced by A.
Protein change: p.Leu292Ile; replaces leucine 292 with isoleucine.
Molecular consequence: missense variant.
Genome position (GRCh38, 1-based): chr8:133,244,372, G>T on the plus strand (C>A on the coding strand, the complement: NDRG1 is on the minus strand). VCF-style: chr8-133244372-G-T. GRCh37 (hg19) VCF-style: chr8-134256615-G-T.
Other names: c.874C>A, p.Leu292Ile (NM_001135242.2, NM_001374845.1, NM_001374846.1); c.676C>A, p.Leu226Ile (NM_001258432.2, NM_001374847.1); c.631C>A, p.Leu211Ile (NM_001258433.2); c.925C>A, p.Leu309Ile (NM_001374844.1); short protein forms L211I, L226I, L292I, L309I.
Identifiers: ClinVar variation 689598 (VCV000689598.7), dbSNP rs745520295, ClinGen allele CA4886518.
Genomic context (GRCh38, chr8:133,244,372, plus strand): 5'-GGAAGCGACAGCTGTATAATGCAAAAGCCAACATGGCACTCACCTGGGAGATCTGCGGGA[G>T]GCCGCCACAGTCCGCCATCTAGGAGAGAGGGAAGCTCGTTAGTGCCAAACACCACAGCCA-3'
Protein context (NP_006087.2, residues 282-302): TLLKMADCGG[Leu292Ile]PQISQPAKLA

ClinVar aggregate classification (germline): Conflicting classifications of pathogenicity. Review status: criteria provided, conflicting classifications (1 of 4 stars). 4 submissions from 4 submitters: Uncertain significance (2); Likely benign (1). 1 of the submissions does not count toward it. Last evaluated 2022-05-21.

Conditions:
Charcot-Marie-Tooth disease type 4. Also called: Charcot-Marie-Tooth disease, type IV; Charcot-Marie-Tooth, Type 4. Identifiers: Orphanet 64749, MedGen C4082197, MONDO:0018995.
Charcot-Marie-Tooth disease type 4D. Also called: NEUROPATHY, HEREDITARY MOTOR AND SENSORY, LOM TYPE; CHARCOT-MARIE-TOOTH DISEASE, DEMYELINATING, TYPE 4D; Charcot-Marie-Tooth Neuropathy Type 4D; CHARCOT-MARIE-TOOTH DISEASE, DEMYELINATING, AUTOSOMAL RECESSIVE, TYPE 4D. Identifiers: Orphanet 99950, MedGen C1832334, MONDO:0011085, OMIM 601455.

Allele frequency attached by ClinVar (database versions not stated): TOPMed 0.00002; ExAC 0.00006; gnomAD 0.00010.
gnomAD v4.1: 21 of 1,614,120 alleles (0.0013%); highest among the groups gnomAD compares: East Asian, 0.045%; no homozygotes.

Submissions (4):

Labcorp Genetics (formerly Invitae), Labcorp
Classification: Uncertain significance for Charcot-Marie-Tooth disease type 4. Last evaluated: 2022-05-21. Review status: criteria provided, single submitter. Criteria: Invitae Variant Classification Sherloc (09022015). Collection method: clinical testing. Allele origin: germline.
Comment: This sequence change replaces leucine, which is neutral and non-polar, with isoleucine, which is neutral and non-polar, at codon 292 of the NDRG1 protein (p.Leu292Ile). This variant is present in population databases (rs745520295, gnomAD 0.07%). This variant has not been reported in the literature in individuals affected with NDRG1-related conditions. ClinVar contains an entry for this variant (Variation ID: 689598). Algorithms developed to predict the effect of missense changes on protein structure and function are either unavailable or do not agree on the potential impact of this missense change (SIFT: "Tolerated"; PolyPhen-2: "Possibly Damaging"; Align-GVGD: "Class C0"). In summary, the available evidence is currently insufficient to determine the role of this variant in disease. Therefore, it has been classified as a Variant of Uncertain Significance.

Illumina Laboratory Services, Illumina
Classification: Uncertain significance for Charcot-Marie-Tooth disease type 4D. Last evaluated: 2018-01-13. Review status: criteria provided, single submitter. Criteria: ICSL Variant Classification Criteria 13 December 2019. Collection method: clinical testing. Allele origin: germline.

Genetic Testing Center for Deafness, Department of Otolaryngology Head & Neck Surgery, Institute of Otolaryngology, Chinese PLA General Hospital
Classification: Likely benign. Review status: criteria provided, single submitter. Criteria: ClinGen HL ACMG Specifications v1. Collection method: case-control. Allele origin: paternal. Affected: no. Observed: 2 variant alleles.

Natera, Inc.
Classification: Uncertain significance for Charcot-Marie-Tooth disease type 4. Last evaluated: 2020-11-10. Review status: no assertion criteria provided. Collection method: clinical testing. Allele origin: germline. Not counted in ClinVar's aggregate classification.